The following is an entry in ClinVar:

ClinVar aggregate classification (germline): Pathogenic. Review status: criteria provided, single submitter (1 of 4 stars). 2 submissions from 2 submitters: Pathogenic (1). 1 of the submissions does not count toward it. Last evaluated 2023-02-05.

Conditions:
Immunodeficiency-centromeric instability-facial anomalies syndrome 2 (ICF2). Identifiers: Orphanet 2268, MedGen C3279748, MONDO:0013553, OMIM 614069.

Submissions (2):

Labcorp Genetics (formerly Invitae), Labcorp
Classification: Pathogenic for Immunodeficiency-centromeric instability-facial anomalies syndrome 2. Last evaluated: 2023-02-05. Review status: criteria provided, single submitter. Criteria: Invitae Variant Classification Sherloc (09022015). Collection method: clinical testing. Allele origin: germline.
Comment: For these reasons, this variant has been classified as Pathogenic. ClinVar contains an entry for this variant (Variation ID: 31095). This premature translational stop signal has been observed in individual(s) with immunodeficiency-centromeric instability-facial anomalies syndrome (PMID: 21596365). This variant is not present in population databases (gnomAD no frequency). This sequence change creates a premature translational stop signal (p.Ser278*) in the ZBTB24 gene. It is expected to result in an absent or disrupted protein product. Loss-of-function variants in ZBTB24 are known to be pathogenic (PMID: 21596365).

OMIM
Classification: Pathogenic for IMMUNODEFICIENCY-CENTROMERIC INSTABILITY-FACIAL ANOMALIES SYNDROME 2. Last evaluated: 2011-06-10. Review status: no assertion criteria provided. Collection method: literature only. Allele origin: germline. Not counted in ClinVar's aggregate classification.

Literature cited by the submitters: PubMed 21596365 (cited by Labcorp Genetics (formerly Invitae), Labcorp and OMIM).

NM_014797.3(ZBTB24):c.833C>G (p.Ser278Ter)

Gene: ZBTB24 (zinc finger and BTB domain containing 24; minus strand). Cytogenetic location: 6q21.
Variant type: single nucleotide variant.
Coding change: c.833C>G on transcript NM_014797.3 (MANE Select); coding-DNA position 833, C replaced by G.
Protein change: p.Ser278Ter; replaces serine 278 with a stop codon.
Molecular consequence: nonsense.
Genome position (GRCh38, 1-based): chr6:109,481,194, G>C on the plus strand (C>G on the coding strand, the complement: ZBTB24 is on the minus strand). VCF-style: chr6-109481194-G-C. GRCh37 (hg19) VCF-style: chr6-109802397-G-C.
Other names: c.833C>G, p.Ser278Ter (NM_001164313.2); short protein forms S278*.
Identifiers: ClinVar variation 31095 (VCV000031095.4), dbSNP rs1582683374, ClinGen allele CA365207939.